The following is an entry in ClinVar:

ClinVar aggregate classification (germline): Uncertain significance. Review status: criteria provided, multiple submitters, no conflicts (2 of 4 stars). 4 submissions from 4 submitters: Uncertain significance (4). Last evaluated 2025-10-07.

Conditions:
Neurofibromatosis, type 2 (SWNV). Also called: SCHWANNOMATOSIS, VESTIBULAR; NF2-Related Schwannomatosis; BILATERAL ACOUSTIC NEUROFIBROMATOSIS. Identifiers: Orphanet 637, MedGen C0027832, MONDO:0007039, OMIM 101000. Disease mechanism: loss of function.
Hereditary cancer-predisposing syndrome. Also called: Hereditary Cancer Syndrome; Hereditary neoplastic syndrome; Neoplastic Syndromes, Hereditary; Tumor predisposition. Identifiers: Orphanet 140162, MedGen C0027672, MeSH D009386, MONDO:0015356.

Submissions (4):

Labcorp Genetics (formerly Invitae), Labcorp
Classification: Uncertain significance for Neurofibromatosis, type 2. Last evaluated: 2025-10-07. Review status: criteria provided, single submitter. Criteria: Invitae Variant Classification Sherloc (09022015). Collection method: clinical testing. Allele origin: germline.
Comment: This sequence change replaces glutamic acid, which is acidic and polar, with glycine, which is neutral and non-polar, at codon 460 of the NF2 protein (p.Glu460Gly). This variant is not present in population databases (gnomAD no frequency). This variant has not been reported in the literature in individuals affected with NF2-related conditions. ClinVar contains an entry for this variant (Variation ID: 1714426). Invitae Evidence Modeling of protein sequence and biophysical properties (such as structural, functional, and spatial information, amino acid conservation, physicochemical variation, residue mobility, and thermodynamic stability) indicates that this missense variant is not expected to disrupt NF2 protein function with a negative predictive value of 80%. In summary, the available evidence is currently insufficient to determine the role of this variant in disease. Therefore, it has been classified as a Variant of Uncertain Significance.

All of Us Research Program, National Institutes of Health
Classification: Uncertain significance for Neurofibromatosis, type 2. Last evaluated: 2023-03-23. Review status: criteria provided, single submitter. Criteria: ACMG Guidelines, 2015. Collection method: clinical testing. Allele origin: germline. Inheritance: Autosomal dominant inheritance. Observed: 1 variant allele, 1 heterozygote.
Comment: This missense variant replaces glutamic acid with glycine at codon 460 of the NF2 protein. Computational prediction is inconclusive regarding the impact of this variant on protein structure and function (internally defined REVEL score threshold 0.5 < inconclusive < 0.7, PMID: 27666373). To our knowledge, functional studies have not been reported for this variant. This variant has not been reported in individuals affected with NF2-related disorders in the literature. This variant has not been identified in the general population by the Genome Aggregation Database (gnomAD). The available evidence is insufficient to determine the role of this variant in disease conclusively. Therefore, this variant is classified as a Variant of Uncertain Significance.

This study involves interpretation of variants in research participants for the purpose of population health screening. Participant phenotype was not available at the time of variant classification. Additional details can be found in publication PMID: 35346344, PMCID: PMC8962531

Color Diagnostics, LLC DBA Color Health
Classification: Uncertain significance for Neurofibromatosis, type 2. Last evaluated: 2022-11-06. Review status: criteria provided, single submitter. Criteria: ACMG Guidelines, 2015. Collection method: clinical testing. Allele origin: germline.
Comment: This missense variant replaces glutamic acid with glycine at codon 460 of the NF2 protein. Computational prediction is inconclusive regarding the impact of this variant on protein structure and function (internally defined REVEL score threshold 0.5 < inconclusive < 0.7, PMID: 27666373). To our knowledge, functional studies have not been reported for this variant. This variant has not been reported in individuals affected with NF2-related disorders in the literature. This variant has not been identified in the general population by the Genome Aggregation Database (gnomAD). The available evidence is insufficient to determine the role of this variant in disease conclusively. Therefore, this variant is classified as a Variant of Uncertain Significance.

Ambry Genetics
Classification: Uncertain significance for Hereditary cancer-predisposing syndrome. Last evaluated: 2020-03-24. Review status: criteria provided, single submitter. Criteria: Ambry Variant Classification Scheme 2023. Collection method: clinical testing. Allele origin: germline.
Comment: The p.E460G variant (also known as c.1379A>G), located in coding exon 13 of the NF2 gene, results from an A to G substitution at nucleotide position 1379. The glutamic acid at codon 460 is replaced by glycine, an amino acid with similar properties. This amino acid position is highly conserved in available vertebrate species. In addition, the in silico prediction for this alteration is inconclusive. Since supporting evidence is limited at this time, the clinical significance of this alteration remains unclear.

NM_000268.4(NF2):c.1379A>G (p.Glu460Gly)

Gene: NF2 (NF2, moesin-ezrin-radixin like (MERLIN) tumor suppressor; plus strand). Cytogenetic location: 22q12.2.
Variant type: single nucleotide variant.
Coding change: c.1379A>G on transcript NM_000268.4 (MANE Select); coding-DNA position 1379, A replaced by G.
Protein change: p.Glu460Gly; replaces glutamic acid 460 with glycine.
Molecular consequence: missense variant. On other transcripts: non-coding transcript variant (1), intron variant (1).
Genome position (GRCh38, 1-based): chr22:29,674,874, A>G. VCF-style: chr22-29674874-A-G. GRCh37 (hg19) VCF-style: chr22-30070863-A-G.
Other names: c.1265A>G, p.Glu422Gly (NM_001407053.1, NM_001407056.1); c.1256A>G, p.Glu419Gly (NM_001407054.1, NM_001407058.1, NM_181829.3); c.1253A>G, p.Glu418Gly (NM_001407055.1, NM_181828.3); c.1244A>G, p.Glu415Gly (NM_001407057.1, NM_001407059.1); c.1379A>G, p.Glu460Gly (NM_001407060.1, NM_001407066.1, NM_016418.5 and 2 more transcripts); c.1121A>G, p.Glu374Gly (NM_001407062.1); c.1130A>G, p.Glu377Gly (NM_001407063.1, NM_001407064.1, NM_181830.3 and 1 more transcripts); c.845A>G, p.Glu282Gly (NM_001407065.1); and 2 more; short protein forms E282G, E374G, E377G, E383G, E415G, E418G, E419G, E422G.
Identifiers: ClinVar variation 1714426 (VCV001714426.11), dbSNP rs2147092679, ClinGen allele CA411148960.